The following is an entry in ClinVar:

NM_001376.5(DYNC1H1):c.11863G>A (p.Glu3955Lys)

Gene: DYNC1H1 (dynein cytoplasmic 1 heavy chain 1; plus strand). Cytogenetic location: 14q32.31.
Variant type: single nucleotide variant.
Coding change: c.11863G>A on transcript NM_001376.5 (MANE Select); coding-DNA position 11863, G replaced by A.
Protein change: p.Glu3955Lys; replaces glutamic acid 3955 with lysine.
Molecular consequence: missense variant.
Genome position (GRCh38, 1-based): chr14:102,040,408, G>A. VCF-style: chr14-102040408-G-A. GRCh37 (hg19) VCF-style: chr14-102506745-G-A.
Other names: short protein forms E3955K.
Identifiers: ClinVar variation 245945 (VCV000245945.12), dbSNP rs767837334, ClinGen allele CA7353742.
Genomic context (GRCh38, chr14:102,040,408, plus strand): 5'-GTGGTGAGGCTGAGCTGCCTTCCCGCGTTTAAGGACTTGATTGCAAAGGTTCAGGCAGAC[G>A]AGGTGATTGTTCTCTTGAATGTTCCCAGTAGGTAAATGTTGGCCTTTTCCCAGGAAATGT-3'
Protein context (NP_001367.2, residues 3945-3965): KDLIAKVQAD[Glu3955Lys]QFGIWLDSSS

ClinVar aggregate classification (germline): Uncertain significance. Review status: criteria provided, multiple submitters, no conflicts (2 of 4 stars). 4 submissions from 4 submitters: Uncertain significance (4). Last evaluated 2026-05-01.

Conditions:
Inborn genetic diseases. Identifiers: MedGen C0950123, MeSH D030342.
Charcot-Marie-Tooth disease axonal type 2O. Also called: Charcot-Marie-Tooth disease, axonal, type 20; CHARCOT-MARIE-TOOTH NEUROPATHY, AXONAL, TYPE 2O; CHARCOT-MARIE-TOOTH DISEASE, AXONAL, AUTOSOMAL DOMINANT, TYPE 2O; Charcot-Marie-Tooth Neuropathy Type 2O. Identifiers: Orphanet 284232, MedGen C3280220, MONDO:0013644, OMIM 614228.

Allele frequency attached by ClinVar (database versions not stated): gnomAD 0.00001; gnomAD exomes 0.00001; TOPMed 0.00001; ExAC 0.00002.

Submissions (4):

CeGaT Center for Human Genetics Tuebingen
Classification: Uncertain significance. Last evaluated: 2026-05-01. Review status: criteria provided, single submitter. Criteria: CeGaT Center For Human Genetics Tuebingen Variant Classification Criteria Version 2. Collection method: clinical testing. Allele origin: germline. Affected: yes. Observed: 1 variant allele.

Ambry Genetics
Classification: Uncertain significance for Inborn genetic diseases. Last evaluated: 2023-10-31. Review status: criteria provided, single submitter. Criteria: Ambry Variant Classification Scheme 2023. Collection method: clinical testing. Allele origin: germline.

Labcorp Genetics (formerly Invitae), Labcorp
Classification: Uncertain significance for Charcot-Marie-Tooth disease axonal type 2O. Last evaluated: 2023-04-12. Review status: criteria provided, single submitter. Criteria: Invitae Variant Classification Sherloc (09022015). Collection method: clinical testing. Allele origin: germline.
Comment: In summary, the available evidence is currently insufficient to determine the role of this variant in disease. Therefore, it has been classified as a Variant of Uncertain Significance. Algorithms developed to predict the effect of sequence changes on RNA splicing suggest that this variant may disrupt the consensus splice site. An algorithm developed to predict the effect of missense changes on protein structure and function (PolyPhen-2) suggests that this variant is likely to be tolerated. ClinVar contains an entry for this variant (Variation ID: 245945). This variant has not been reported in the literature in individuals affected with DYNC1H1-related conditions. This variant is present in population databases (rs767837334, gnomAD 0.007%). This sequence change replaces glutamic acid, which is acidic and polar, with lysine, which is basic and polar, at codon 3955 of the DYNC1H1 protein (p.Glu3955Lys).

GeneDx
Classification: Uncertain significance. Last evaluated: 2015-10-11. Review status: criteria provided, single submitter. Criteria: GeneDx Variant Classification (06012015). Collection method: clinical testing. Allele origin: germline. Affected: yes.
Comment: The E3955K variant in the DYNC1H1 gene has not been published as a pathogenic variant, nor has it been reported as a benign variant to our knowledge. The E3955K variant was not observed in approximately 6,500 individuals of European and African American ancestry in the NHLBI Exome Sequencing Project, indicating it is not a common benign variant in these populations. The E3955K variant is a non-conservative amino acid substitution, which occurs at a position that is conserved across species. However, in silico analysis is inconsistent in its predictions as to whether or not the variant is damaging to the protein structure/function. We interpret E3955K as a variant of uncertain significance.